The following is an entry in ClinVar:

ClinVar aggregate classification (germline): Uncertain significance (1 of 4 stars; one submission).

Submission:

GeneDx
Classification: Uncertain significance. Last evaluated: 2025-01-16. Review status: criteria provided, single submitter. Criteria: GeneDx Variant Classification Process June 2021. Collection method: clinical testing. Allele origin: germline. Affected: yes.
Comment: Not observed at significant frequency in large population cohorts (gnomAD); In silico analysis supports that this missense variant has a deleterious effect on protein structure/function; Has not been previously published as pathogenic or benign to our knowledge

NM_181332.3(NLGN4X):c.1794C>G (p.His598Gln)

Gene: NLGN4X (neuroligin 4 X-linked; minus strand). Cytogenetic location: Xp22.32.
Variant type: single nucleotide variant.
Coding change: c.1794C>G on transcript NM_181332.3 (MANE Select); coding-DNA position 1794, C replaced by G.
Protein change: p.His598Gln; replaces histidine 598 with glutamine.
Molecular consequence: missense variant.
Genome position (GRCh38, 1-based): chrX:5,893,474, G>C on the plus strand (C>G on the coding strand, the complement: NLGN4X is on the minus strand). VCF-style: chrX-5893474-G-C. GRCh37 (hg19) VCF-style: chrX-5811515-G-C.
Other names: c.1794C>G, p.His598Gln (NM_001282145.2, NM_001282146.2, NM_020742.4); short protein forms H598Q.
Identifiers: ClinVar variation 4070749 (VCV004070749.1).